The following is an entry in ClinVar:

ClinVar aggregate classification (germline): Uncertain significance. Review status: criteria provided, multiple submitters, no conflicts (2 of 4 stars). 2 submissions from 2 submitters: Uncertain significance (2). Last evaluated 2025-10-17.

Conditions:
Primary ciliary dyskinesia. Also called: Ciliary dyskinesia. Identifiers: Orphanet 244, MedGen C0008780, MONDO:0016575, HP:0012265.
CCDC39-related disorder. Also called: CCDC39-related condition.

Allele frequency attached by ClinVar (database versions not stated): gnomAD exomes below 0.00001; gnomAD 0.00001.
gnomAD v4.1: 11 of 1,613,312 alleles (0.00068%); highest among the groups gnomAD compares: African/African-American, 0.008%; no homozygotes.

Submissions (2):

PreventionGenetics, part of Exact Sciences
Classification: Uncertain significance for CCDC39-related condition. Last evaluated: 2025-10-17. Review status: criteria provided, single submitter. Criteria: ACMG Guidelines, 2015. Collection method: clinical testing. Allele origin: germline.
Comment: The CCDC39 c.662A>G variant is predicted to result in the amino acid substitution p.Gln221Arg. To our knowledge, this variant has not been reported in the literature. This variant is reported in 0.011% of alleles in individuals of African descent in gnomAD. At this time, the clinical significance of this variant is uncertain due to the absence of conclusive functional and genetic evidence.

Labcorp Genetics (formerly Invitae), Labcorp
Classification: Uncertain significance for Primary ciliary dyskinesia. Last evaluated: 2023-12-11. Review status: criteria provided, single submitter. Criteria: Invitae Variant Classification Sherloc (09022015). Collection method: clinical testing. Allele origin: germline.
Comment: This sequence change replaces glutamine, which is neutral and polar, with arginine, which is basic and polar, at codon 221 of the CCDC39 protein (p.Gln221Arg). This variant is present in population databases (rs375385797, gnomAD 0.01%). This variant has not been reported in the literature in individuals affected with CCDC39-related conditions. ClinVar contains an entry for this variant (Variation ID: 1346867). An algorithm developed to predict the effect of missense changes on protein structure and function (PolyPhen-2) suggests that this variant is likely to be tolerated. In summary, the available evidence is currently insufficient to determine the role of this variant in disease. Therefore, it has been classified as a Variant of Uncertain Significance.

NM_181426.2(CCDC39):c.662A>G (p.Gln221Arg)

Gene: CCDC39 (coiled-coil domain 39 molecular ruler complex subunit; minus strand). Cytogenetic location: 3q26.33.
Variant type: single nucleotide variant.
Coding change: c.662A>G on transcript NM_181426.2 (MANE Select); coding-DNA position 662, A replaced by G.
Protein change: p.Gln221Arg; replaces glutamine 221 with arginine.
Molecular consequence: missense variant.
Genome position (GRCh38, 1-based): chr3:180,659,528, T>C on the plus strand (A>G on the coding strand, the complement: CCDC39 is on the minus strand). VCF-style: chr3-180659528-T-C. GRCh37 (hg19) VCF-style: chr3-180377316-T-C.
Other names: c.662A>G (NM_181426.1); short protein forms Q221R.
Identifiers: ClinVar variation 1346867 (VCV001346867.7), dbSNP rs375385797, ClinGen allele CA88636046.